The following is an entry in ClinVar:

ClinVar aggregate classification (germline): Uncertain significance (1 of 4 stars; one submission).

Conditions:
Joubert syndrome 23 (JBTS23). Identifiers: Orphanet 475, MedGen C4084822, MONDO:0014664, OMIM 616490.
Short-rib thoracic dysplasia 14 with polydactyly (SRTD14). Identifiers: Orphanet 397715, MedGen C4225286, MONDO:0014688, OMIM 616546.

Allele frequency attached by ClinVar (database versions not stated): gnomAD 0.00001.

Submission:

Labcorp Genetics (formerly Invitae), Labcorp
Classification: Uncertain significance for Joubert syndrome 23; Short-rib thoracic dysplasia 14 with polydactyly. Last evaluated: 2023-12-07. Review status: criteria provided, single submitter. Criteria: Invitae Variant Classification Sherloc (09022015). Collection method: clinical testing. Allele origin: germline.
Comment: This sequence change creates a premature translational stop signal (Splice acceptor) in the KIAA0586 gene. However, it is currently unclear if variants that occur in this region of the gene cause disease. This variant is present in population databases (no rsID available, gnomAD 0.004%). This variant has not been reported in the literature in individuals affected with KIAA0586-related conditions. ClinVar contains an entry for this variant (Variation ID: 2092220). In summary, the available evidence is currently insufficient to determine the role of this variant in disease. Therefore, it has been classified as a Variant of Uncertain Significance.

NM_001329943.3(KIAA0586):c.-28G>A

Gene: KIAA0586 (KIAA0586; plus strand). Cytogenetic location: 14q23.1.
Variant type: single nucleotide variant.
Coding change: c.-28G>A on transcript NM_001329943.3 (MANE Select); 28 bases upstream of the start codon, G replaced by A.
Molecular consequence: 5 prime UTR variant. On other transcripts: splice acceptor variant (1), intron variant (6).
Genome position (GRCh38, 1-based): chr14:58,428,237, G>A. VCF-style: chr14-58428237-G-A. GRCh37 (hg19) VCF-style: chr14-58894955-G-A.
Other names: c.-28G>A (NM_001329944.2, NM_001329946.2, NM_001329947.2 and 1 more transcripts); c.10-1G>A (NM_001244189.2); c.-38-35G>A (NM_001244190.2); c.-57+600G>A (NM_001244192.2, NM_001244191.2); c.-57+424G>A (NM_001364701.2, NM_001329945.2, NM_001364700.1).
Identifiers: ClinVar variation 2092220 (VCV002092220.4), dbSNP rs1208867808, ClinGen allele CA389858851.